The following is an entry in ClinVar:

NM_001267550.2(TTN):c.1399-3C>T

Gene: TTN (titin; minus strand). Cytogenetic location: 2q31.2.
Variant type: single nucleotide variant.
Coding change: c.1399-3C>T on transcript NM_001267550.2 (MANE Select); 3 bases into the intron before coding-DNA position 1399, C replaced by T.
Molecular consequence: intron variant.
Genome position (GRCh38, 1-based): chr2:178,793,544, G>A on the plus strand (C>T on the coding strand, the complement: TTN is on the minus strand). VCF-style: chr2-178793544-G-A. GRCh37 (hg19) VCF-style: chr2-179658271-G-A.
Other names: c.1399-3C>T (NM_133378.4, NM_001256850.1, NM_003319.4 and 3 more transcripts).
Identifiers: ClinVar variation 46630 (VCV000046630.25), dbSNP rs397517486, ClinGen allele CA138811.

ClinVar aggregate classification (germline): Conflicting classifications of pathogenicity. Review status: criteria provided, conflicting classifications (1 of 4 stars). 5 submissions from 5 submitters: Uncertain significance (3); Likely benign (2). Last evaluated 2025-02-18.

Conditions:
TTN-related disorder. Also called: TTN-related condition; TTN-related disease; TTN-related disorders.
Cardiovascular phenotype. Identifiers: MedGen CN230736.
Autosomal recessive limb-girdle muscular dystrophy type 2J (LGMDR10). Also called: Limb-girdle muscular dystrophy, type 2J; MUSCULAR DYSTROPHY, LIMB-GIRDLE, AUTOSOMAL RECESSIVE 10. Identifiers: Orphanet 140922, MedGen C1837342, MONDO:0012127, OMIM 608807.
Dilated cardiomyopathy 1G (CMD1G). Identifiers: Orphanet 154, MedGen C1858763, MONDO:0011400, OMIM 604145.

Allele frequency attached by ClinVar (database versions not stated): gnomAD 0.00011 and 0.00012; 1000 Genomes Project 30x 0.00016; TOPMed 0.00019; ExAC 0.00001; gnomAD exomes 0.00002 and 0.00003.
gnomAD v4.1: 60 of 1,613,436 alleles (0.0037%); highest among the groups gnomAD compares: African/African-American, 0.033%; no homozygotes.

Submissions (5):

PreventionGenetics, part of Exact Sciences
Classification: Likely benign for TTN-related condition. Last evaluated: 2025-02-18. Review status: criteria provided, single submitter. Criteria: ACMG Guidelines, 2015. Collection method: clinical testing. Allele origin: germline.
Comment: This variant is classified as likely benign based on ACMG/AMP sequence variant interpretation guidelines (Richards et al. 2015 PMID: 25741868, with internal and published modifications).

Ambry Genetics
Classification: Uncertain significance for Cardiovascular phenotype. Last evaluated: 2025-02-11. Review status: criteria provided, single submitter. Criteria: Ambry Variant Classification Scheme 2023. Collection method: clinical testing. Allele origin: germline.
Comment: The c.1399-3C>T intronic variant results from a C to T substitution 3 nucleotides upstream from coding exon 8 in the TTN gene. This nucleotide position is well conserved in available vertebrate species. In silico splice site analysis predicts that this alteration will not have any significant effect on splicing. Since supporting evidence is limited at this time, the clinical significance of this alteration remains unclear.

GeneDx
Classification: Likely benign. Last evaluated: 2021-01-21. Review status: criteria provided, single submitter. Criteria: GeneDx Variant Classification Process June 2021. Collection method: clinical testing. Allele origin: germline. Affected: yes.

Labcorp Genetics (formerly Invitae), Labcorp
Classification: Uncertain significance for Dilated cardiomyopathy 1G; Autosomal recessive limb-girdle muscular dystrophy type 2J. Last evaluated: 2017-12-06. Review status: criteria provided, single submitter. Criteria: Invitae Variant Classification Sherloc (09022015). Collection method: clinical testing. Allele origin: germline.

Laboratory for Molecular Medicine, Mass General Brigham Personalized Medicine
Classification: Uncertain significance. Last evaluated: 2012-08-14. Review status: criteria provided, single submitter. Criteria: LMM Criteria. Collection method: clinical testing. Allele origin: germline. Observed: 1 variant allele.
Comment: The 1399-3C>T variant in TTN has not been reported in the literature nor previou sly identified by our laboratory. This variant is located in the 3' splice regio n. Computational tools do not suggest an impact to splicing, though this informa tion is not predictive enough to rule out pathogenicity. Additional information is needed to fully assess the clinical significance of this variant.